The following is an entry in ClinVar:

ClinVar aggregate classification (germline): Uncertain significance. Review status: criteria provided, multiple submitters, no conflicts (2 of 4 stars). 2 submissions from 2 submitters: Uncertain significance (2). Last evaluated 2025-08-21.

Conditions:
Hoyeraal-Hreidarsson syndrome (HHS). Also called: CEREBELLAR HYPOPLASIA WITH PANCYTOPENIA. Identifiers: Orphanet 3322, MedGen C1846142, MONDO:0018045.
Autosomal recessive dyskeratosis congenita. Identifiers: MedGen C3502105.

Allele frequency attached by ClinVar (database versions not stated): ExAC 0.00006; gnomAD exomes 0.00007 and 0.00008; gnomAD 0.00011 and 0.00017; TOPMed 0.00019.
gnomAD v4.1: 130 of 1,614,092 alleles (0.0081%); highest among the groups gnomAD compares: Admixed American, 0.047%; no homozygotes.

Submissions (2):

Ambry Genetics
Classification: Uncertain significance. Last evaluated: 2025-08-21. Review status: criteria provided, single submitter. Criteria: Ambry Variant Classification Scheme 2023. Collection method: clinical testing. Allele origin: germline.

Labcorp Genetics (formerly Invitae), Labcorp
Classification: Uncertain significance for Hoyeraal-Hreidarsson syndrome; Autosomal recessive dyskeratosis congenita. Last evaluated: 2019-07-03. Review status: criteria provided, single submitter. Criteria: Invitae Variant Classification Sherloc (09022015). Collection method: clinical testing. Allele origin: germline.
Comment: In summary, the available evidence is currently insufficient to determine the role of this variant in disease. Therefore, it has been classified as a Variant of Uncertain Significance. Algorithms developed to predict the effect of missense changes on protein structure and function (SIFT, PolyPhen-2, Align-GVGD) all suggest that this variant is likely to be tolerated, but these predictions have not been confirmed by published functional studies and their clinical significance is uncertain. This sequence change replaces isoleucine with methionine at codon 396 of the DCLRE1B protein (p.Ile396Met). The isoleucine residue is weakly conserved and there is a small physicochemical difference between isoleucine and methionine. This variant is present in population databases (rs769393520, ExAC 0.03%). This variant has not been reported in the literature in individuals with DCLRE1B-related conditions.

NM_022836.4(DCLRE1B):c.1188C>G (p.Ile396Met)

Gene: DCLRE1B (DNA cross-link repair 1B; plus strand). Cytogenetic location: 1p13.2.
Variant type: single nucleotide variant.
Coding change: c.1188C>G on transcript NM_022836.4 (MANE Select); coding-DNA position 1188, C replaced by G.
Protein change: p.Ile396Met; replaces isoleucine 396 with methionine.
Molecular consequence: missense variant.
Genome position (GRCh38, 1-based): chr1:113,911,780, C>G. VCF-style: chr1-113911780-C-G. GRCh37 (hg19) VCF-style: chr1-114454402-C-G.
Other names: c.810C>G, p.Ile270Met (NM_001319946.2, NM_001319947.2, NM_001363691.2); c.1188C>G, p.Ile396Met (NM_001363690.2); short protein forms I270M, I396M.
Identifiers: ClinVar variation 945988 (VCV000945988.10), dbSNP rs769393520, ClinGen allele CA1016544.